The following is an entry in ClinVar:

ClinVar aggregate classification (germline): Likely pathogenic (1 of 4 stars; one submission).

Allele frequency attached by ClinVar (database versions not stated): gnomAD exomes 0.00001.
gnomAD v4.1: 6 of 1,614,010 alleles (0.00037%); highest among the groups gnomAD compares: Non-Finnish European, 0.00042%; no homozygotes.

Submission:

Labcorp Genetics (formerly Invitae), Labcorp
Classification: Likely pathogenic. Last evaluated: 2020-04-26. Review status: criteria provided, single submitter. Criteria: Invitae Variant Classification Sherloc (09022015). Collection method: clinical testing. Allele origin: germline.
Comment: Donor and acceptor splice site variants typically lead to a loss of protein function (PMID: 16199547), and loss-of-function variants in CDH23 are known to be pathogenic (PMID: 11138009, 21940737). Algorithms developed to predict the effect of sequence changes on RNA splicing suggest that this variant may disrupt the consensus splice site, but this prediction has not been confirmed by published transcriptional studies. This variant has not been reported in the literature in individuals with CDH23-related conditions. This variant is not present in population databases (ExAC no frequency). This sequence change affects an acceptor splice site in intron 63 of the CDH23 gene. It is expected to disrupt RNA splicing and likely results in an absent or disrupted protein product. In summary, the currently available evidence indicates that the variant is pathogenic, but additional data are needed to prove that conclusively. Therefore, this variant has been classified as Likely Pathogenic.

Literature cited by the submitters: PubMed 16199547; PubMed 11138009; PubMed 21940737.

NM_022124.6(CDH23):c.9199-1G>A

Gene: CDH23 (cadherin related 23; plus strand). Cytogenetic location: 10q22.1.
Variant type: single nucleotide variant.
Coding change: c.9199-1G>A on transcript NM_022124.6 (MANE Select); the canonical splice acceptor site of the intron before coding-DNA position 9199, G replaced by A.
Molecular consequence: splice acceptor variant.
Genome position (GRCh38, 1-based): chr10:71,811,510, G>A. VCF-style: chr10-71811510-G-A. GRCh37 (hg19) VCF-style: chr10-73571267-G-A.
Other names: c.2479-1G>A (NM_001171933.1, NM_001171934.1).
Identifiers: ClinVar variation 1067106 (VCV001067106.7), dbSNP rs2133002032, ClinGen allele CA377135092.